The following is an entry in ClinVar:

NM_001130987.2(DYSF):c.922del (p.Glu308fs)

Gene: DYSF (dysferlin; plus strand). Cytogenetic location: 2p13.2.
Variant type: Deletion.
Coding change: c.922del on transcript NM_001130987.2 (MANE Select); coding-DNA position 922, one base deleted (G; older notation c.922delG).
Protein change: p.Glu308fs; shifts the reading frame from glutamic acid 308.
Molecular consequence: frameshift variant.
Genome position (GRCh38, 1-based): chr2:71,516,213, G deleted; the last of 4 consecutive G bases (chr2:71,516,210-71,516,213); deleting any one gives the same sequence. VCF-style (leftmost placement, unchanged base first): chr2-71516209-TG-T. GRCh37 (hg19) VCF-style: chr2-71743339-TG-T.
Other names: c.829del, p.Glu277fs (NM_001130455.2, NM_001130983.2, NM_001130984.2 and 1 more transcripts); c.826del, p.Glu276fs (NM_001130976.2, NM_001130977.2, NM_001130978.2 and 1 more transcripts); c.919del, p.Glu307fs (NM_001130979.2, NM_001130980.2, NM_001130981.2); c.922del, p.Glu308fs (NM_001130982.2, NM_001130985.2); short protein forms E277fs, E308fs, E276fs, E307fs.
Identifiers: ClinVar variation 499095 (VCV000499095.12), dbSNP rs1553522133, ClinGen allele CA658795807.

ClinVar aggregate classification (germline): Pathogenic. Review status: criteria provided, multiple submitters, no conflicts (2 of 4 stars). 4 submissions from 4 submitters: Pathogenic (3). 1 of the submissions does not count toward it. Last evaluated 2023-10-22.

Conditions:
Neuromuscular disease caused by qualitative or quantitative defects of dysferlin. Also called: Dysferlinopathy; Qualitative or quantitative defects of dysferlin. Identifiers: Orphanet 207073, MedGen C2931687, MONDO:0016145.
Miyoshi muscular dystrophy 1 (MMD1). Identifiers: Orphanet 45448, MedGen C4551973, MONDO:0024545, OMIM 254130.
Autosomal recessive limb-girdle muscular dystrophy type 2B (LGMDR2). Also called: MUSCULAR DYSTROPHY, LIMB-GIRDLE, AUTOSOMAL RECESSIVE 2; MUSCULAR DYSTROPHY, LIMB-GIRDLE, TYPE 3; Limb-girdle muscular dystrophy, type 2B; Limb-Girdle Muscular Dystrophy Type 2B (LGMD2B). Identifiers: Orphanet 268, MedGen C1850889, MONDO:0009676, OMIM 253601.
Distal myopathy with anterior tibial onset. Identifiers: Orphanet 178400, MedGen C1847532, MONDO:0011721, OMIM 606768.

Submissions (4):

Labcorp Genetics (formerly Invitae), Labcorp
Classification: Pathogenic for Neuromuscular disease caused by qualitative or quantitative defects of dysferlin. Last evaluated: 2023-10-22. Review status: criteria provided, single submitter. Criteria: Invitae Variant Classification Sherloc (09022015). Collection method: clinical testing. Allele origin: germline.
Comment: This sequence change creates a premature translational stop signal (p.Glu276Serfs*12) in the DYSF gene. It is expected to result in an absent or disrupted protein product. Loss-of-function variants in DYSF are known to be pathogenic (PMID: 17698709, 20301480). This variant is not present in population databases (gnomAD no frequency). This premature translational stop signal has been observed in individuals with DYSF-related conditions (PMID: 25868377, 27363342). ClinVar contains an entry for this variant (Variation ID: 499095). For these reasons, this variant has been classified as Pathogenic.

Fulgent Genetics
Classification: Pathogenic for Autosomal recessive limb-girdle muscular dystrophy type 2B; Miyoshi muscular dystrophy 1; Distal myopathy with anterior tibial onset. Last evaluated: 2022-02-28. Review status: criteria provided, single submitter. Criteria: ACMG Guidelines, 2015. Collection method: clinical testing. Allele origin: unknown.

Eurofins Ntd Llc (ga)
Classification: Pathogenic. Last evaluated: 2016-12-28. Review status: criteria provided, single submitter. Criteria: EGL Classification Definitions 2015. Collection method: clinical testing. Allele origin: germline. Observed: 1 variant allele, 1 homozygote.

Counsyl
Classification: Pathogenic for Autosomal recessive limb-girdle muscular dystrophy type 2B. Last evaluated: 2018-04-25. Review status: no assertion criteria provided. Collection method: clinical testing. Allele origin: unknown. Not counted in ClinVar's aggregate classification.

Literature cited by the submitters: PubMed 17698709 (cited by Labcorp Genetics (formerly Invitae), Labcorp); PubMed 20301480 (cited by Labcorp Genetics (formerly Invitae), Labcorp); PubMed 25868377 (cited by Labcorp Genetics (formerly Invitae), Labcorp and Counsyl); PubMed 27363342 (cited by Labcorp Genetics (formerly Invitae), Labcorp and Counsyl).